The following is an entry in ClinVar:

ClinVar aggregate classification (germline): Uncertain significance (1 of 4 stars; one submission).

gnomAD v4.1: 5 of 1,614,088 alleles (0.00031%); highest among the groups gnomAD compares: Admixed American, 0.0017%; no homozygotes.

Submission:

Labcorp Genetics (formerly Invitae), Labcorp
Classification: Uncertain significance. Last evaluated: 2022-02-03. Review status: criteria provided, single submitter. Criteria: Invitae Variant Classification Sherloc (09022015). Collection method: clinical testing. Allele origin: germline.
Comment: Algorithms developed to predict the effect of missense changes on protein structure and function (SIFT, PolyPhen-2, Align-GVGD) all suggest that this variant is likely to be tolerated. In summary, the available evidence is currently insufficient to determine the role of this variant in disease. Therefore, it has been classified as a Variant of Uncertain Significance. This sequence change replaces aspartic acid, which is acidic and polar, with asparagine, which is neutral and polar, at codon 139 of the IDH3A protein (p.Asp139Asn). This variant is present in population databases (rs747375549, gnomAD 0.004%). This variant has not been reported in the literature in individuals affected with IDH3A-related conditions.

NM_005530.3(IDH3A):c.415G>A (p.Asp139Asn)

Gene: IDH3A (isocitrate dehydrogenase (NAD(+)) 3 catalytic subunit alpha; plus strand). Cytogenetic location: 15q25.1.
Variant type: single nucleotide variant.
Coding change: c.415G>A on transcript NM_005530.3 (MANE Select); coding-DNA position 415, G replaced by A.
Protein change: p.Asp139Asn; replaces aspartic acid 139 with asparagine.
Molecular consequence: missense variant.
Genome position (GRCh38, 1-based): chr15:78,161,706, G>A. VCF-style: chr15-78161706-G-A. GRCh37 (hg19) VCF-style: chr15-78454048-G-A.
Other names: short protein forms D139N.
Identifiers: ClinVar variation 1425757 (VCV001425757.8), dbSNP rs747375549, ClinGen allele CA7680562.